The following is an entry in ClinVar:

ClinVar aggregate classification (germline): Uncertain significance. Review status: criteria provided, multiple submitters, no conflicts (2 of 4 stars). 2 submissions from 2 submitters: Uncertain significance (2). Last evaluated 2025-06-22.

Conditions:
Inborn genetic diseases. Identifiers: MedGen C0950123, MeSH D030342.

gnomAD v4.1: 4 of 1,197,307 alleles (0.00033%); highest among the groups gnomAD compares: Admixed American, 0.0044%; no homozygotes.

Submissions (2):

Labcorp Genetics (formerly Invitae), Labcorp
Classification: Uncertain significance. Last evaluated: 2025-06-22. Review status: criteria provided, single submitter. Criteria: Invitae Variant Classification Sherloc (09022015). Collection method: clinical testing. Allele origin: germline.
Comment: This sequence change replaces leucine, which is neutral and non-polar, with arginine, which is basic and polar, at codon 1035 of the POLA1 protein (p.Leu1035Arg). This variant is present in population databases (rs148640944, gnomAD 0.008%), including at least one homozygous and/or hemizygous individual. This variant has not been reported in the literature in individuals affected with POLA1-related conditions. ClinVar contains an entry for this variant (Variation ID: 3891258). Invitae Evidence Modeling of protein sequence and biophysical properties (such as structural, functional, and spatial information, amino acid conservation, physicochemical variation, residue mobility, and thermodynamic stability) indicates that this missense variant is not expected to disrupt POLA1 protein function with a negative predictive value of 80%. In summary, the available evidence is currently insufficient to determine the role of this variant in disease. Therefore, it has been classified as a Variant of Uncertain Significance.

Ambry Genetics
Classification: Uncertain significance for Inborn genetic diseases. Last evaluated: 2025-02-20. Review status: criteria provided, single submitter. Criteria: Ambry Variant Classification Scheme 2023. Collection method: clinical testing. Allele origin: germline.

NM_001330360.2(POLA1):c.3122T>G (p.Leu1041Arg)

Gene: POLA1 (DNA polymerase alpha 1, catalytic subunit; plus strand). Cytogenetic location: Xp22.11.
Variant type: single nucleotide variant.
Coding change: c.3122T>G on transcript NM_001330360.2 (MANE Select); coding-DNA position 3122, T replaced by G.
Protein change: p.Leu1041Arg; replaces leucine 1041 with arginine.
Molecular consequence: missense variant. On other transcripts: non-coding transcript variant (2).
Genome position (GRCh38, 1-based): chrX:24,812,689, T>G. VCF-style: chrX-24812689-T-G. GRCh37 (hg19) VCF-style: chrX-24830806-T-G.
Other names: c.3047T>G, p.Leu1016Arg (NM_001378303.1); c.3104T>G, p.Leu1035Arg (NM_016937.4); short protein forms L1035R, L1016R, L1041R.
Identifiers: ClinVar variation 3891258 (VCV003891258.2).